The following is an entry in ClinVar:

ClinVar aggregate classification (germline): Uncertain significance. Review status: criteria provided, multiple submitters, no conflicts (2 of 4 stars). 6 submissions from 6 submitters: Uncertain significance (5). 1 of the submissions does not count toward it. Last evaluated 2024-04-12.

Conditions:
Fanconi anemia (FA). Also called: Fanconi's anemia. Identifiers: Orphanet 84, MedGen C0015625, MeSH D005199, MONDO:0019391.
Fanconi anemia complementation group G. Also called: Fanconi anemia group G; FANCG-Related Fanconi Anemia. Identifiers: Orphanet 84, MedGen C3469527, MONDO:0013565, OMIM 614082.

Allele frequency attached by ClinVar (database versions not stated): ExAC 0.00002; gnomAD exomes 0.00006 and 0.00010; TOPMed 0.00014; gnomAD 0.00029 and 0.00031.
gnomAD v4.1: 136 of 1,614,088 alleles (0.0084%); highest among the groups gnomAD compares: Admixed American, 0.1%; no homozygotes.

Submissions (6):

Fulgent Genetics
Classification: Uncertain significance for Fanconi anemia complementation group G. Last evaluated: 2024-04-12. Review status: criteria provided, single submitter. Criteria: ACMG Guidelines, 2015. Collection method: clinical testing. Allele origin: germline.

Labcorp Genetics (formerly Invitae), Labcorp
Classification: Uncertain significance for Fanconi anemia. Last evaluated: 2022-10-27. Review status: criteria provided, single submitter. Criteria: Invitae Variant Classification Sherloc (09022015). Collection method: clinical testing. Allele origin: germline.
Comment: This sequence change replaces alanine, which is neutral and non-polar, with valine, which is neutral and non-polar, at codon 265 of the FANCG protein (p.Ala265Val). This variant is present in population databases (rs764992007, gnomAD 0.07%). This variant has not been reported in the literature in individuals affected with FANCG-related conditions. ClinVar contains an entry for this variant (Variation ID: 912779). Advanced modeling of protein sequence and biophysical properties (such as structural, functional, and spatial information, amino acid conservation, physicochemical variation, residue mobility, and thermodynamic stability) performed at Invitae indicates that this missense variant is expected to disrupt FANCG protein function. In summary, the available evidence is currently insufficient to determine the role of this variant in disease. Therefore, it has been classified as a Variant of Uncertain Significance.

Institute for Clinical Genetics, University Hospital TU Dresden, University Hospital TU Dresden
Classification: Uncertain significance. Last evaluated: 2021-11-03. Review status: criteria provided, single submitter. Criteria: ACMG Guidelines, 2015. Collection method: clinical testing. Allele origin: germline.

Illumina Laboratory Services, Illumina
Classification: Uncertain significance for Fanconi anemia complementation group G. Last evaluated: 2018-01-12. Review status: criteria provided, single submitter. Criteria: ICSL Variant Classification Criteria 13 December 2019. Collection method: clinical testing. Allele origin: germline.

Breakthrough Genomics
Classification: Uncertain significance. Review status: criteria provided, single submitter. Criteria: ACMG Guidelines, 2015. Collection method: not provided. Allele origin: germline. Inheritance: Autosomal recessive inheritance. Affected: yes.

Natera, Inc.
Classification: Uncertain significance for Fanconi anemia group G. Last evaluated: 2020-04-13. Review status: no assertion criteria provided. Collection method: clinical testing. Allele origin: germline. Not counted in ClinVar's aggregate classification.

NM_004629.2(FANCG):c.794C>T (p.Ala265Val)

Gene: FANCG (FA complementation group G; minus strand). Cytogenetic location: 9p13.3.
Variant type: single nucleotide variant.
Coding change: c.794C>T on transcript NM_004629.2 (MANE Select); coding-DNA position 794, C replaced by T.
Protein change: p.Ala265Val; replaces alanine 265 with valine.
Molecular consequence: missense variant.
Genome position (GRCh38, 1-based): chr9:35,076,854, G>A on the plus strand (C>T on the coding strand, the complement: FANCG is on the minus strand). VCF-style: chr9-35076854-G-A. GRCh37 (hg19) VCF-style: chr9-35076851-G-A.
Other names: short protein forms A265V.
Identifiers: ClinVar variation 912779 (VCV000912779.14), dbSNP rs764992007, ClinGen allele CA5039937.